The following is an entry in ClinVar:

ClinVar aggregate classification (germline): Benign/Likely benign. Review status: criteria provided, multiple submitters, no conflicts (2 of 4 stars). 5 submissions from 5 submitters: Benign (1); Likely benign (3). 1 of the submissions does not count toward it. Last evaluated 2025-07-02.

Conditions:
PAX5-related disorder. Also called: PAX5-related condition.
Inborn genetic diseases. Identifiers: MedGen C0950123, MeSH D030342.

Allele frequency attached by ClinVar (database versions not stated): gnomAD exomes 0.00008 and 0.00021; ExAC 0.00027; gnomAD 0.00079 and 0.00084; TOPMed 0.00082; 1000 Genomes Project 0.00120; ESP Exome Variant Server 0.00138; 1000 Genomes Project 30x 0.00141.
gnomAD v4.1: 233 of 1,610,010 alleles (0.014%); highest among the groups gnomAD compares: African/African-American, 0.29%; no homozygotes.

Submissions (5):

Labcorp Genetics (formerly Invitae), Labcorp
Classification: Benign. Last evaluated: 2025-07-02. Review status: criteria provided, single submitter. Criteria: Invitae Variant Classification Sherloc (09022015). Collection method: clinical testing. Allele origin: germline.

Ambry Genetics
Classification: Likely benign for Inborn genetic diseases. Last evaluated: 2024-11-21. Review status: criteria provided, single submitter. Criteria: Ambry Variant Classification Scheme 2023. Collection method: clinical testing. Allele origin: germline.

Blueprint Genetics
Classification: Likely benign. Last evaluated: 2024-03-01. Review status: criteria provided, single submitter. Criteria: ACMG Guidelines, 2015. Collection method: clinical testing. Allele origin: germline.

Genetic Services Laboratory, University of Chicago
Classification: Likely benign. Last evaluated: 2021-01-11. Review status: criteria provided, single submitter. Criteria: ACMG Guidelines, 2015. Collection method: clinical testing. Allele origin: germline. Affected: no.

PreventionGenetics, part of Exact Sciences
Classification: Likely benign for PAX5-related condition. Last evaluated: 2019-07-15. Review status: no assertion criteria provided. Collection method: clinical testing. Allele origin: germline. Not counted in ClinVar's aggregate classification.
Comment: This variant is classified as likely benign based on ACMG/AMP sequence variant interpretation guidelines (Richards et al. 2015 PMID: 25741868, with internal and published modifications).

NM_016734.3(PAX5):c.954C>T (p.His318=)

Gene: PAX5 (paired box 5; minus strand). Cytogenetic location: 9p13.2.
Variant type: single nucleotide variant.
Coding change: c.954C>T on transcript NM_016734.3 (MANE Select); coding-DNA position 954, C replaced by T.
Protein change: p.His318=; no amino-acid change (histidine 318 retained).
Molecular consequence: synonymous variant. On other transcripts: non-coding transcript variant (2), intron variant (6).
Genome position (GRCh38, 1-based): chr9:36,882,062, G>A on the plus strand (C>T on the coding strand, the complement: PAX5 is on the minus strand). VCF-style: chr9-36882062-G-A. GRCh37 (hg19) VCF-style: chr9-36882059-G-A.
Other names: c.954C>T (NM_016734.1); c.954C>T, p.His318= (NM_001280548.2); c.825C>T, p.His275= (NM_001280553.2, NM_001280554.2); c.630C>T, p.His210= (NM_001280556.2); c.586+41293C>T (NM_001280551.2); c.713-35133C>T (NM_001280555.2); c.781-41426C>T (NM_001280550.2); c.781-35133C>T (NM_001280549.2); and 2 more.
Identifiers: ClinVar variation 738476 (VCV000738476.13), dbSNP rs144574685, ClinGen allele CA5058109.